The following is an entry in ClinVar:

ClinVar aggregate classification (germline): Uncertain significance (1 of 4 stars; one submission).

Submission:

Ambry Genetics
Classification: Uncertain significance. Last evaluated: 2024-06-27. Review status: criteria provided, single submitter. Criteria: Ambry Variant Classification Scheme 2023. Collection method: clinical testing. Allele origin: germline.
Comment: The p.H266R variant (also known as c.797A>G), located in coding exon 1 of the EGLN2 gene, results from an A to G substitution at nucleotide position 797. The histidine at codon 266 is replaced by arginine, an amino acid with highly similar properties. This amino acid position is conserved. In addition, the in silico prediction for this alteration is inconclusive. Based on the available evidence, the clinical significance of this variant remains unclear.

NM_080732.4(EGLN2):c.797A>G (p.His266Arg)

Genes: EGLN2 (egl-9 family hypoxia inducible factor 2; plus strand), RAB4B-EGLN2 (RAB4B-EGLN2 readthrough (NMD candidate); plus strand). Cytogenetic location: 19q13.2.
Variant type: single nucleotide variant.
Coding change: c.797A>G on transcript NM_080732.4 (MANE Select); coding-DNA position 797, A replaced by G.
Protein change: p.His266Arg; replaces histidine 266 with arginine.
Molecular consequence: missense variant. On other transcripts: non-coding transcript variant (1).
Genome position (GRCh38, 1-based): chr19:40,801,369, A>G. VCF-style: chr19-40801369-A-G. GRCh37 (hg19) VCF-style: chr19-41307274-A-G.
Other names: c.797A>G, p.His266Arg (NM_053046.4); short protein forms H266R.
Identifiers: ClinVar variation 3507260 (VCV003507260.1).